The following is an entry in ClinVar:

ClinVar aggregate classification (germline): Uncertain significance (1 of 4 stars; one submission).

Submission:

Labcorp Genetics (formerly Invitae), Labcorp
Classification: Uncertain significance. Last evaluated: 2025-12-29. Review status: criteria provided, single submitter. Criteria: Invitae Variant Classification Sherloc (09022015). Collection method: clinical testing. Allele origin: germline.
Comment: This variant, c.2780_2782del, results in the deletion of 1 amino acid(s) of the LONP1 protein (p.Ile927del), but otherwise preserves the integrity of the reading frame. This variant is present in population databases (rs750237359, gnomAD 0.002%). This variant has been observed in individual(s) with CODAS (cerebral, ocular, dental, auricular, skeletal anomalies) syndrome (PMID: 25808063). Experimental studies and prediction algorithms are not available or were not evaluated, and the functional significance of this variant is currently unknown. In summary, the available evidence is currently insufficient to determine the role of this variant in disease. Therefore, it has been classified as a Variant of Uncertain Significance.

Literature cited by the submitters: PubMed 25808063.

NM_004793.4(LONP1):c.2777TCA[1] (p.Ile927del)

Gene: LONP1 (lon peptidase 1, mitochondrial; minus strand). Cytogenetic location: 19p13.3.
Variant type: Microsatellite.
Coding change: c.2777TCA[1] on transcript NM_004793.4 (MANE Select); one copy of the 3-base unit TCA starting at c.2777; the reference has two copies in a row; one copy, 3 bases deleted.
Protein change: p.Ile927del; deletes isoleucine 927.
Molecular consequence: inframe deletion. On other transcripts: non-coding transcript variant (1).
Genome position (GRCh38, 1-based): chr19:5,692,130-5,692,132, TGA deleted on the plus strand (TCA on the coding strand, the reverse complement: LONP1 is on the minus strand); deleting any 3 consecutive bases within chr19:5,692,130-5,692,135 gives the same sequence; the position shown is the placement nearest the transcript's 3' end. VCF-style (leftmost placement, unchanged base first): chr19-5692129-GTGA-G. GRCh37 (hg19) VCF-style: chr19-5692140-GTGA-G.
Other names: c.2585TCA[1], p.Ile863del (NM_001276479.2); c.2189TCA[1], p.Ile731del (NM_001276480.1); short protein forms I863del, I731del, I927del.
Identifiers: ClinVar variation 4710479 (VCV004710479.1).